The following is an entry in ClinVar:

NM_000275.3(OCA2):c.79G>A (p.Gly27Arg)

Gene: OCA2 (OCA2 melanosomal transmembrane protein; minus strand). Cytogenetic location: 15q13.1.
Variant type: single nucleotide variant.
Coding change: c.79G>A on transcript NM_000275.3 (MANE Select); coding-DNA position 79, G replaced by A.
Protein change: p.Gly27Arg; replaces glycine 27 with arginine.
Molecular consequence: missense variant.
Genome position (GRCh38, 1-based): chr15:28,081,796, C>T on the plus strand (G>A on the coding strand, the complement: OCA2 is on the minus strand). VCF-style: chr15-28081796-C-T. GRCh37 (hg19) VCF-style: chr15-28326942-C-T.
Other names: c.79G>A, p.Gly27Arg (NM_001300984.2); short protein forms G27R.
Identifiers: ClinVar variation 431946 (VCV000431946.60), dbSNP rs61738394, ClinGen allele CA7439593.

ClinVar aggregate classification (germline): Conflicting classifications of pathogenicity. Review status: criteria provided, conflicting classifications (1 of 4 stars). 12 submissions from 12 submitters: Pathogenic (1); Uncertain significance (5); Benign (3); Likely benign (1). 2 of the submissions do not count toward it. Last evaluated 2026-07-01.

Conditions:
Tyrosinase-positive oculocutaneous albinism (OCA2). Also called: Oculocutaneous albinism type 2; Albinism, oculocutaneous, type II; ALBINISM II. Identifiers: Orphanet 79432, MedGen C0268495, MONDO:0008746, OMIM 203200.
SKIN/HAIR/EYE PIGMENTATION 1, BLUE/NONBLUE EYES (SHEP1). Also called: BROWN EYE COLOR 2; EYE COLOR 3; EYE COLOR, BLUE/NONBLUE; EYE COLOR, BROWN/BLUE; SKIN/HAIR/EYE PIGMENTATION 1, BLOND/BROWN HAIR; SKIN/HAIR/EYE PIGMENTATION 1, BLUE/BROWN EYES. Identifiers: MedGen C1856895, OMIM 227220.
OCA2-related disorder. Also called: OCA2-related condition.

Allele frequency attached by ClinVar (database versions not stated): gnomAD exomes 0.00061; 1000 Genomes Project 0.00280; 1000 Genomes Project 30x 0.00328; gnomAD 0.00489 and 0.00532; TOPMed 0.00532; ESP Exome Variant Server 0.00562.
gnomAD v4.1: 1,700 of 1,612,778 alleles (0.11%); highest among the groups gnomAD compares: African/African-American, 1.6%; 13 homozygotes.

Submissions (12):

CeGaT Center for Human Genetics Tuebingen
Classification: Likely benign. Last evaluated: 2026-07-01. Review status: criteria provided, single submitter. Criteria: CeGaT Center For Human Genetics Tuebingen Variant Classification Criteria Version 2. Collection method: clinical testing. Allele origin: germline. Affected: yes. Observed: 4 variant alleles.
Comment: OCA2: BP4

Labcorp Genetics (formerly Invitae), Labcorp
Classification: Benign. Last evaluated: 2026-01-26. Review status: criteria provided, single submitter. Criteria: Invitae Variant Classification Sherloc (09022015). Collection method: clinical testing. Allele origin: germline.

GeneDx
Classification: Uncertain significance. Last evaluated: 2025-11-02. Review status: criteria provided, single submitter. Criteria: GeneDx Variant Classification Process June 2021. Collection method: clinical testing. Allele origin: germline. Affected: yes.
Comment: Observed with p.(L440F) on the same allele (in cis) in multiple unrelated individuals referred for genetic testing at GeneDx; In silico analysis suggests that this missense variant does not alter protein structure/function; This variant is associated with the following publications: (PMID: 15173252, 23891399, 18463683, 15712365, 20981092, 23504663, 19626598, 18326704, 23824587, 9259203, 31636960, 27887888)

Laboratory of Genetic Epidemiology, Research Centre for Medical Genetics
Classification: Uncertain significance for SKIN/HAIR/EYE PIGMENTATION 1, BLUE/NONBLUE EYES; Tyrosinase-positive oculocutaneous albinism. Last evaluated: 2025-01-01. Review status: criteria provided, single submitter. Criteria: ACMG Guidelines, 2015. Collection method: clinical testing. Allele origin: unknown. Inheritance: Autosomal recessive inheritance. Affected: yes. Observed: 1 heterozygote.
Comment: This variant has been previously reported in the literature (PMIDs: 9259203, 20981092) and is listed in gnomAD v3.1.2 with allele frequency 0.00009 in Europe (6/68032), none in homozygous state, however with high frequency in African population (0.01) (9 cases with variant in homozygous state). The affected amino acid position is not evolutionarily conserved (AlphaMissense), and multiple in silico tools predict the absence of effect on protein (SIFT, PolyPhen2, REVEL, Meta LR). Taken together, the variant meets the following ACMG/AMP criteria and can be classified as uncertain significance with PM2, PP5, PP4 criteria.

Blueprint Genetics
Classification: Benign. Last evaluated: 2024-10-07. Review status: criteria provided, single submitter. Criteria: ACMG Guidelines, 2015. Collection method: clinical testing. Allele origin: germline.

Women's Health and Genetics/Laboratory Corporation of America, LabCorp
Classification: Benign. Last evaluated: 2023-12-08. Review status: criteria provided, single submitter. Criteria: LabCorp Variant Classification Summary - May 2015. Collection method: clinical testing. Allele origin: germline.
Comment: Variant summary: OCA2 c.79G>A (p.Gly27Arg) results in a non-conservative amino acid change in the encoded protein sequence. Four of five in-silico tools predict a benign effect of the variant on protein function. The variant allele was found at a frequency of 0.0011 in 1612778 control chromosomes, predominantly at a frequency of 0.016 within the African or African-American subpopulation in the gnomAD database, including 13 homozygotes. The observed variant frequency within African or African-American control individuals in the gnomAD database is approximately 4-fold of the estimated maximal expected allele frequency for a pathogenic variant in OCA2 causing Oculocutaneous Albinism phenotype (0.0043), strongly suggesting that the variant is a benign polymorphism found primarily in populations of African or African-American origin. c.79G>A has been reported in the literature in individuals affected with Oculocutaneous Albinism without strong evidence for causality, as they were either not comprehensively genotyped, or harbored other putatively pathogenic variants in OCA2 and/or other Oculocutaneous Albinism-related genes (e.g. Spritz_1997, Oetting_2005, Hutton_2008a, Hutton_2008b). Therefore, these reports do not provide unequivocal conclusions about association of the variant with Oculocutaneous Albinism. To our knowledge, no experimental evidence demonstrating an impact on protein function has been reported. The following publications have been ascertained in the context of this evaluation (PMID: 18326704, 18463683, 15712365, 9259203). Eight submitters have cited clinical-significance assessments for this variant to ClinVar after 2014 with conflicting assessments. Five submitters classified the variant as uncertain significance, two classified it as benign, and one classified it as pathogenic. Based on the evidence outlined above, the variant was classified as benign.

Genome-Nilou Lab
Classification: Uncertain significance for Tyrosinase-positive oculocutaneous albinism. Last evaluated: 2021-11-07. Review status: criteria provided, single submitter. Criteria: ACMG Guidelines, 2015. Collection method: clinical testing. Allele origin: germline. Affected: no.

Genetic Services Laboratory, University of Chicago
Classification: Uncertain significance. Last evaluated: 2017-11-06. Review status: criteria provided, single submitter. Criteria: ACMG Guidelines, 2015. Collection method: clinical testing. Allele origin: germline. Affected: no.

Illumina Laboratory Services, Illumina
Classification: Uncertain significance for Tyrosinase-positive oculocutaneous albinism. Last evaluated: 2017-04-27. Review status: criteria provided, single submitter. Criteria: ICSL Variant Classification Criteria 13 December 2019. Collection method: clinical testing. Allele origin: germline.

Eurofins Ntd Llc (ga)
Classification: Pathogenic. Last evaluated: 2017-04-05. Review status: criteria provided, single submitter. Criteria: EGL Classification Definitions 2015. Collection method: clinical testing. Allele origin: germline. Observed: 2 variant alleles, 1 heterozygote, 1 homozygote.

PreventionGenetics, part of Exact Sciences
Classification: Likely benign for OCA2-related condition. Last evaluated: 2024-08-01. Review status: no assertion criteria provided. Collection method: clinical testing. Allele origin: germline. Not counted in ClinVar's aggregate classification.
Comment: This variant is classified as likely benign based on ACMG/AMP sequence variant interpretation guidelines (Richards et al. 2015 PMID: 25741868, with internal and published modifications).

Department of Pathology and Laboratory Medicine, Sinai Health System
Classification: Uncertain significance. Review status: no assertion criteria provided. Collection method: clinical testing. Allele origin: unknown. Affected: yes. Study: The Canadian Open Genetics Repository (COGR). Not counted in ClinVar's aggregate classification.
Comment: The OCA2 p.Gly27Arg variant was identified in 3 of 242 proband chromosomes (frequency: 0.037) from non-hispanic caucasian individuals with oculocutaneous albinism (OCA) (Hutton_2008_PMID:18463683). The variant was also identified in dbSNP (ID: rs61738394) and ClinVar (classified as pathogenic by EGL Genetics, likely pathogenic by Genetic Services Laboratory, University of Chicago and as a VUS by GeneDx). The variant was not identified in Cosmic or LOVD 3.0. The variant was identified in control databases in 491 of 273964 chromosomes (3 homozygous) at a frequency of 0.001792 increasing the likelihood this could be a low frequency benign variant (Genome Aggregation Database Feb 27, 2017). The variant was observed in the following populations: African in 357 of 23176 chromosomes (freq: 0.0154), Ashkenazi Jewish in 85 of 10146 chromosomes (freq: 0.008378), Other in 9 of 7014 chromosomes (freq: 0.001283), Latino in 23 of 35144 chromosomes (freq: 0.000655), European (non-Finnish) in 14 of 123642 chromosomes (freq: 0.000113), East Asian in 1 of 19664 chromosomes (freq: 0.000051), European (Finnish) in 1 of 24704 chromosomes (freq: 0.00004) and South Asian in 1 of 30474 chromosomes (freq: 0.000033). In two Jewish families, two siblings with OCA2 were homozygous for the G27R variant and two siblings with OCA2 were compound heterozygous for the G27R and A481T variants, however the unaffected father was also compound heterozygous for G27R and A481T (Blumenfeld_2012). The p.Gly27 residue is not conserved in mammals and four out of five computational analyses (PolyPhen-2, SIFT, AlignGVGD, MutationTaster) do not suggest a high likelihood of impact to the protein; however, this information is not predictive enough to rule out pathogenicity. The variant occurs outside of the splicing consensus sequence and in silico or computational prediction software programs (SpliceSiteFinder, MaxEntScan, NNSPLICE, GeneSplicer) do not predict a difference in splicing. In summary, based on the above information the clinical significance of this variant cannot be determined with certainty at this time. This variant is classified as a variant of uncertain significance.

Literature cited by the submitters: PubMed 9259203 (cited by Laboratory of Genetic Epidemiology, Research Centre for Medical Genetics and Women's Health and Genetics/Laboratory Corporation of America, LabCorp); PubMed 20981092 (cited by Laboratory of Genetic Epidemiology, Research Centre for Medical Genetics); PubMed 41428507 (cited by Laboratory of Genetic Epidemiology, Research Centre for Medical Genetics); PubMed 18463683 (cited by Women's Health and Genetics/Laboratory Corporation of America, LabCorp and Eurofins Ntd Llc (ga)); PubMed 18326704 (cited by Women's Health and Genetics/Laboratory Corporation of America, LabCorp); PubMed 15712365 (cited by Women's Health and Genetics/Laboratory Corporation of America, LabCorp and Eurofins Ntd Llc (ga)); PubMed 15173252 (cited by Eurofins Ntd Llc (ga)); PubMed 23504663 (cited by Eurofins Ntd Llc (ga)); PubMed 27887888 (cited by Eurofins Ntd Llc (ga)).